The following is an entry in ClinVar:

NM_004380.3(CREBBP):c.2347A>T (p.Met783Leu)

Gene: CREBBP (CREB binding lysine acetyltransferase; minus strand). Cytogenetic location: 16p13.3.
Variant type: single nucleotide variant.
Coding change: c.2347A>T on transcript NM_004380.3 (MANE Select); coding-DNA position 2347, A replaced by T.
Protein change: p.Met783Leu; replaces methionine 783 with leucine.
Molecular consequence: missense variant.
Genome position (GRCh38, 1-based): chr16:3,773,867, T>A on the plus strand (A>T on the coding strand, the complement: CREBBP is on the minus strand). VCF-style: chr16-3773867-T-A. GRCh37 (hg19) VCF-style: chr16-3823868-T-A.
Other names: c.2233A>T, p.Met745Leu (NM_001079846.1); short protein forms M745L, M783L.
Identifiers: ClinVar variation 2794234 (VCV002794234.3), dbSNP rs144200709, ClinGen allele CA394553016.

ClinVar aggregate classification (germline): Uncertain significance (1 of 4 stars; one submission).

Conditions:
Rubinstein-Taybi syndrome (RSTS). Identifiers: Orphanet 783, MedGen C0035934, MONDO:0019188.

gnomAD v4.1: 1 of 1,612,342 alleles (0.000062%); highest among the groups gnomAD compares: Non-Finnish European, 0.000085%; no homozygotes.

Submission:

Labcorp Genetics (formerly Invitae), Labcorp
Classification: Uncertain significance for Rubinstein-Taybi syndrome. Last evaluated: 2022-11-10. Review status: criteria provided, single submitter. Criteria: Invitae Variant Classification Sherloc (09022015). Collection method: clinical testing. Allele origin: germline.
Comment: This variant is not present in population databases (gnomAD no frequency). This sequence change replaces methionine, which is neutral and non-polar, with leucine, which is neutral and non-polar, at codon 783 of the CREBBP protein (p.Met783Leu). This variant has not been reported in the literature in individuals affected with CREBBP-related conditions. In summary, the available evidence is currently insufficient to determine the role of this variant in disease. Therefore, it has been classified as a Variant of Uncertain Significance. Algorithms developed to predict the effect of missense changes on protein structure and function (SIFT, PolyPhen-2, Align-GVGD) all suggest that this variant is likely to be tolerated.